The following is an entry in ClinVar:

ClinVar aggregate classification (germline): Conflicting classifications of pathogenicity. Review status: criteria provided, conflicting classifications (1 of 4 stars). 3 submissions from 3 submitters: Pathogenic (1); Likely pathogenic (1); Uncertain significance (1). Last evaluated 2026-01-22.

Conditions:
OAT-related disorder. Also called: OAT-related condition.
Ornithine aminotransferase deficiency (GACR). Also called: Ornithine ketoacid aminotransferase deficiency; Gyrate atrophy; Gyrate atrophy of choroid and retina; Girate atrophy of the retina; HYPERORNITHINEMIA WITH GYRATE ATROPHY OF CHOROID AND RETINA; OAT DEFICIENCY. Identifiers: Orphanet 414, MedGen C0018425, MONDO:0009796, OMIM 258870.

Allele frequency attached by ClinVar (database versions not stated): ExAC 0.00001; gnomAD exomes 0.00001; TOPMed 0.00001.
gnomAD v4.1: 4 of 1,614,094 alleles (0.00025%); highest among the groups gnomAD compares: Admixed American, 0.005%; no homozygotes.

Submissions (3):

PreventionGenetics, part of Exact Sciences
Classification: Likely pathogenic for OAT-related condition. Last evaluated: 2026-01-22. Review status: criteria provided, single submitter. Criteria: ACMG Guidelines, 2015. Collection method: clinical testing. Allele origin: germline.
Comment: The OAT c.881T>A variant is predicted to result in the amino acid substitution p.Leu294His. To our knowledge, this variant has not been reported in the literature. This variant is predicted damaging to the encoded protein (Liu et al. 2016. PMID:26555599). This variant is present in 0.0058% of alleles in individuals of Latino descent in gnomAD. This variant is interpreted as likely pathogenic.

Labcorp Genetics (formerly Invitae), Labcorp
Classification: Pathogenic for Ornithine aminotransferase deficiency. Last evaluated: 2025-01-13. Review status: criteria provided, single submitter. Criteria: Invitae Variant Classification Sherloc (09022015). Collection method: clinical testing. Allele origin: germline.
Comment: This sequence change replaces leucine, which is neutral and non-polar, with histidine, which is basic and polar, at codon 294 of the OAT protein (p.Leu294His). This variant is present in population databases (rs752974288, gnomAD 0.006%). This missense change has been observed in individual(s) with clinical features of gyrate atrophy of choroid and retina (internal data). ClinVar contains an entry for this variant (Variation ID: 1398334). Invitae Evidence Modeling of protein sequence and biophysical properties (such as structural, functional, and spatial information, amino acid conservation, physicochemical variation, residue mobility, and thermodynamic stability) indicates that this missense variant is expected to disrupt OAT protein function with a positive predictive value of 80%. For these reasons, this variant has been classified as Pathogenic.

Blueprint Genetics
Classification: Uncertain significance. Last evaluated: 2022-09-30. Review status: criteria provided, single submitter. Criteria: ACMG Guidelines, 2015. Collection method: clinical testing. Allele origin: germline.

NM_000274.4(OAT):c.881T>A (p.Leu294His)

Gene: OAT (ornithine aminotransferase; minus strand). Cytogenetic location: 10q26.13.
Variant type: single nucleotide variant.
Coding change: c.881T>A on transcript NM_000274.4 (MANE Select); coding-DNA position 881, T replaced by A.
Protein change: p.Leu294His; replaces leucine 294 with histidine.
Molecular consequence: missense variant.
Genome position (GRCh38, 1-based): chr10:124,402,946, A>T on the plus strand (T>A on the coding strand, the complement: OAT is on the minus strand). VCF-style: chr10-124402946-A-T. GRCh37 (hg19) VCF-style: chr10-126091515-A-T.
Other names: c.881T>A (NM_000274.3); c.467T>A, p.Leu156His (NM_001171814.2); c.881T>A, p.Leu294His (NM_001322965.2, NM_001322966.2, NM_001322967.2 and 3 more transcripts); c.560T>A, p.Leu187His (NM_001322971.2); c.281T>A, p.Leu94His (NM_001322974.2); short protein forms L187H, L294H, L156H, L94H.
Identifiers: ClinVar variation 1398334 (VCV001398334.8), dbSNP rs752974288, ClinGen allele CA5733404.